The following is an entry in ClinVar:

ClinVar aggregate classification (germline): Uncertain significance (1 of 4 stars; one submission).

Allele frequency attached by ClinVar (database versions not stated): ExAC 0.00001; gnomAD exomes 0.00001.
gnomAD v4.1: 11 of 1,613,186 alleles (0.00068%); highest among the groups gnomAD compares: South Asian, 0.012%; no homozygotes.

Submission:

Labcorp Genetics (formerly Invitae), Labcorp
Classification: Uncertain significance. Last evaluated: 2022-09-30. Review status: criteria provided, single submitter. Criteria: Invitae Variant Classification Sherloc (09022015). Collection method: clinical testing. Allele origin: germline.
Comment: This sequence change replaces serine, which is neutral and polar, with threonine, which is neutral and polar, at codon 718 of the CFB protein (p.Ser718Thr). This variant is present in population databases (rs745854895, gnomAD 0.01%). This variant has not been reported in the literature in individuals affected with CFB-related conditions. Advanced modeling of protein sequence and biophysical properties (such as structural, functional, and spatial information, amino acid conservation, physicochemical variation, residue mobility, and thermodynamic stability) performed at Invitae indicates that this missense variant is expected to disrupt CFB protein function. In summary, the available evidence is currently insufficient to determine the role of this variant in disease. Therefore, it has been classified as a Variant of Uncertain Significance.

NM_001710.6(CFB):c.2153G>C (p.Ser718Thr)

Gene: CFB (complement factor B; plus strand). Cytogenetic location: 6p21.33.
Variant type: single nucleotide variant.
Coding change: c.2153G>C on transcript NM_001710.6 (MANE Select); coding-DNA position 2153, G replaced by C.
Protein change: p.Ser718Thr; replaces serine 718 with threonine.
Molecular consequence: missense variant.
Genome position (GRCh38, 1-based): chr6:31,951,888, G>C. VCF-style: chr6-31951888-G-C. GRCh37 (hg19) VCF-style: chr6-31919665-G-C.
Other names: short protein forms S718T.
Identifiers: ClinVar variation 1963760 (VCV001963760.5), dbSNP rs745854895, ClinGen allele CA3728588.